The following is an entry in ClinVar:

ClinVar aggregate classification (germline): Uncertain significance (1 of 4 stars; one submission).

Submission:

Greenwood Genetic Center Diagnostic Laboratories, Greenwood Genetic Center
Classification: Uncertain significance. Last evaluated: 2025-12-08. Review status: criteria provided, single submitter. Criteria: ACMG Guidelines, 2015. Collection method: clinical testing. Allele origin: germline. Affected: yes.
Comment: PM2, BP4

NM_001204.7(BMPR2):c.2866+1541G>T

Gene: BMPR2 (bone morphogenetic protein receptor type 2; plus strand). Cytogenetic location: 2q33.2.
Variant type: single nucleotide variant.
Coding change: c.2866+1541G>T on transcript NM_001204.7 (MANE Select); 1541 bases into the intron after coding-DNA position 2866, G replaced by T.
Molecular consequence: intron variant.
Genome position (GRCh38, 1-based): chr2:202,558,072, G>T. VCF-style: chr2-202558072-G-T. GRCh37 (hg19) VCF-style: chr2-203422795-G-T.
Identifiers: ClinVar variation 4845513 (VCV004845513.1).